The following is an entry in ClinVar:

ClinVar aggregate classification (germline): Uncertain significance (1 of 4 stars; one submission).

Conditions:
Pitt-Hopkins-like syndrome 2 (PTHSL2). Identifiers: Orphanet 221150, Orphanet 600663, MedGen C3280479, MONDO:0013690, OMIM 614325.

Allele frequency attached by ClinVar (database versions not stated): gnomAD exomes below 0.00001.

Submission:

Labcorp Genetics (formerly Invitae), Labcorp
Classification: Uncertain significance for Pitt-Hopkins-like syndrome 2. Last evaluated: 2025-09-08. Review status: criteria provided, single submitter. Criteria: Invitae Variant Classification Sherloc (09022015). Collection method: clinical testing. Allele origin: germline.
Comment: This sequence change replaces methionine, which is neutral and non-polar, with isoleucine, which is neutral and non-polar, at codon 1387 of the NRXN1 protein (p.Met1387Ile). This variant is not present in population databases (gnomAD no frequency). This variant has not been reported in the literature in individuals affected with NRXN1-related conditions. ClinVar contains an entry for this variant (Variation ID: 2752883). Invitae Evidence Modeling of protein sequence and biophysical properties (such as structural, functional, and spatial information, amino acid conservation, physicochemical variation, residue mobility, and thermodynamic stability) indicates that this missense variant is not expected to disrupt NRXN1 protein function with a negative predictive value of 80%. In summary, the available evidence is currently insufficient to determine the role of this variant in disease. Therefore, it has been classified as a Variant of Uncertain Significance.

NM_001330078.2(NRXN1):c.4041G>A (p.Met1347Ile)

Gene: NRXN1 (neurexin 1; minus strand). Cytogenetic location: 2p16.3.
Variant type: single nucleotide variant.
Coding change: c.4041G>A on transcript NM_001330078.2 (MANE Select); coding-DNA position 4041, G replaced by A.
Protein change: p.Met1347Ile; replaces methionine 1347 with isoleucine.
Molecular consequence: missense variant.
Genome position (GRCh38, 1-based): chr2:50,053,358, C>T on the plus strand (G>A on the coding strand, the complement: NRXN1 is on the minus strand). VCF-style: chr2-50053358-C-T. GRCh37 (hg19) VCF-style: chr2-50280496-C-T.
Other names: c.4161G>A, p.Met1387Ile (NM_001135659.3); c.4017G>A, p.Met1339Ile (NM_001330077.2, NM_001330082.2); c.3885G>A, p.Met1295Ile (NM_001330083.2); c.3975G>A, p.Met1325Ile (NM_001330084.2); c.4014G>A, p.Met1338Ile (NM_001330085.2); c.3900G>A, p.Met1300Ile (NM_001330095.2); c.3840G>A, p.Met1280Ile (NM_001330096.2, NM_001330087.2); c.846G>A, p.Met282Ile (NM_001330097.2, NM_138735.5); and 6 more; short protein forms M1300I, M1343I, M1346I, M282I, M1290I, M1339I, M312I, M1317I.
Identifiers: ClinVar variation 2752883 (VCV002752883.3), dbSNP rs2467632810, ClinGen allele CA346819515.